The following is an entry in ClinVar:

ClinVar aggregate classification (germline): Likely pathogenic. Review status: criteria provided, single submitter (1 of 4 stars). 2 submissions from 2 submitters: Likely pathogenic (1). 1 of the submissions does not count toward it. Last evaluated 2023-01-25.

Conditions:
Neurodevelopmental disorder with epilepsy and hypoplasia of the corpus callosum. Identifiers: MedGen C4748137, MONDO:0060761, OMIM 618090.

Submissions (2):

Broad Center for Mendelian Genomics, Broad Institute of MIT and Harvard
Classification: Likely pathogenic for Neurodevelopmental disorder with epilepsy and hypoplasia of the corpus callosum. Last evaluated: 2023-01-25. Review status: criteria provided, single submitter. Criteria: ACMG Guidelines, 2015. Collection method: curation. Allele origin: germline. Inheritance: Autosomal recessive inheritance.
Comment: The homozygous p.Leu134PhefsTer24 variant in LNPK was identified by our study in two siblings with global developmental delay, seizures, and agenesis of the corpus callosum. The p.Leu134PhefsTer24 variant in LNPK has not been previously reported in individuals with neurodevelopmental disorder with epilepsy and hypoplasia of the corpus callosum. This variant was absent from large population studies. This variant is predicted to cause a frameshift, which alters the protein‚Äôs amino acid sequence beginning at position 134 and leads to a premature termination codon 24 amino acids downstream. This alteration is then predicted to lead to a truncated or absent protein. Loss of function of the LNPK gene is strongly associated to autosomal recessive neurodevelopmental disorder with epilepsy and hypoplasia of the corpus callosum. In summary, although additional studies are required to fully establish its clinical significance, this variant is likely pathogenic for neurodevelopmental disorder with epilepsy and hypoplasia of the corpus callosum. ACMG/AMP Criteria applied: PVS1_Strong, PM2_Supporting, PM3_Supporting (Richards 2015).

OMIM
Classification: Pathogenic for NEURODEVELOPMENTAL DISORDER WITH EPILEPSY AND HYPOPLASIA OF THE CORPUS CALLOSUM. Last evaluated: 2026-09-14. Review status: no assertion criteria provided. Collection method: literature only. Allele origin: germline. Not counted in ClinVar's aggregate classification.

Literature cited by the submitters: PubMed 37794925 (cited by OMIM).

NM_030650.3(LNPK):c.402_405del (p.Leu134fs)

Gene: LNPK (lunapark, ER junction formation factor; minus strand). Cytogenetic location: 2q31.1.
Variant type: Microsatellite.
Coding change: c.402_405del on transcript NM_030650.3 (MANE Select); coding-DNA positions 402 to 405, 4 bases deleted (AATT; older notation c.402_405delAATT).
Protein change: p.Leu134fs; shifts the reading frame from leucine 134.
Molecular consequence: frameshift variant. On other transcripts: non-coding transcript variant (1).
Genome position (GRCh38, 1-based): chr2:175,964,542-175,964,545, AATT deleted on the plus strand (AATT on the coding strand, the reverse complement: LNPK is on the minus strand); deleting any 4 consecutive bases within chr2:175,964,542-175,964,549 gives the same sequence; the c. name uses the placement nearest the transcript's 3' end. VCF-style (leftmost placement, unchanged base first): chr2-175964541-GAATT-G. GRCh37 (hg19) VCF-style: chr2-176829269-GAATT-G.
Other names: NR_130941.2:n.920_923del; c.600_603del, p.Leu200fs (NM_001305008.1); c.402_405del, p.Leu134fs (NM_001305009.1); c.408_411del, p.Leu136fs (NM_001305010.1); c.33_36del, p.Leu11fs (NM_001305011.2); short protein forms L11fs, L134fs, L200fs, L136fs.
Identifiers: ClinVar variation 2412773 (VCV002412773.2), dbSNP rs2468610103, ClinGen allele CA913089442.